The following is an entry in ClinVar:

ClinVar aggregate classification (germline): Uncertain significance. Review status: criteria provided, multiple submitters, no conflicts (2 of 4 stars). 2 submissions from 2 submitters: Uncertain significance (2). Last evaluated 2025-04-19.

Allele frequency attached by ClinVar (database versions not stated): gnomAD exomes 0.00017 and 0.00014; gnomAD 0.00019 and 0.00020; ExAC 0.00014; TOPMed 0.00017.
gnomAD v4.1: 273 of 1,613,990 alleles (0.017%); highest among the groups gnomAD compares: Non-Finnish European, 0.021%; 1 homozygote.

Submissions (2):

Labcorp Genetics (formerly Invitae), Labcorp
Classification: Uncertain significance. Last evaluated: 2025-04-19. Review status: criteria provided, single submitter. Criteria: Invitae Variant Classification Sherloc (09022015). Collection method: clinical testing. Allele origin: germline.
Comment: This sequence change replaces glutamic acid, which is acidic and polar, with lysine, which is basic and polar, at codon 456 of the NUP62 protein (p.Glu456Lys). This variant is present in population databases (rs755550156, gnomAD 0.02%). This variant has not been reported in the literature in individuals affected with NUP62-related conditions. ClinVar contains an entry for this variant (Variation ID: 1386549). An algorithm developed to predict the effect of missense changes on protein structure and function (PolyPhen-2) suggests that this variant is likely to be tolerated. In summary, the available evidence is currently insufficient to determine the role of this variant in disease. Therefore, it has been classified as a Variant of Uncertain Significance.

Ambry Genetics
Classification: Uncertain significance. Last evaluated: 2023-12-20. Review status: criteria provided, single submitter. Criteria: Ambry Variant Classification Scheme 2023. Collection method: clinical testing. Allele origin: germline.

NM_016553.5(NUP62):c.1366G>A (p.Glu456Lys)

Genes: IL4I1 (interleukin 4 induced 1; minus strand), NUP62 (nucleoporin 62; minus strand). Cytogenetic location: 19q13.33.
Variant type: single nucleotide variant.
Coding change: c.1366G>A on transcript NM_016553.5 (MANE Select); coding-DNA position 1366, G replaced by A.
Protein change: p.Glu456Lys; replaces glutamic acid 456 with lysine.
Molecular consequence: missense variant. On other transcripts: intron variant (3).
Genome position (GRCh38, 1-based): chr19:49,908,442, C>T on the plus strand (G>A on the coding strand, the complement: NUP62 is on the minus strand). VCF-style: chr19-49908442-C-T. GRCh37 (hg19) VCF-style: chr19-50411699-C-T.
Other names: c.-285-4121G>A (NM_001258018.2); c.1366G>A, p.Glu456Lys (NM_001193357.2, NM_012346.5, NM_153718.4 and 1 more transcripts); c.-227-4121G>A (NM_001258017.2, NM_172374.3); short protein forms E456K.
Identifiers: ClinVar variation 1386549 (VCV001386549.9), dbSNP rs755550156, ClinGen allele CA9588905.